The following is an entry in ClinVar:

NM_001278116.2(L1CAM):c.1052G>A (p.Arg351His)

Gene: L1CAM (L1 cell adhesion molecule; minus strand). Cytogenetic location: Xq28.
Variant type: single nucleotide variant.
Coding change: c.1052G>A on transcript NM_001278116.2 (MANE Select); coding-DNA position 1052, G replaced by A.
Protein change: p.Arg351His; replaces arginine 351 with histidine.
Molecular consequence: missense variant.
Genome position (GRCh38, 1-based): chrX:153,869,874, C>T on the plus strand (G>A on the coding strand, the complement: L1CAM is on the minus strand). VCF-style: chrX-153869874-C-T. GRCh37 (hg19) VCF-style: chrX-153135329-C-T.
Other names: c.1052G>A, p.Arg351His (NM_000425.5, NM_024003.3); c.1037G>A, p.Arg346His (NM_001143963.2); short protein forms R351H, R346H.
Identifiers: ClinVar variation 1777600 (VCV001777600.5), dbSNP rs147234859, ClinGen allele CA10554440.

ClinVar aggregate classification (germline): Conflicting classifications of pathogenicity. Review status: criteria provided, conflicting classifications (1 of 4 stars). 2 submissions from 2 submitters: Uncertain significance (1); Benign (1). Last evaluated 2025-06-27.

Conditions:
Inborn genetic diseases. Identifiers: MedGen C0950123, MeSH D030342.
Spastic paraplegia. Identifiers: MedGen C0037772, HP:0001258.

Allele frequency attached by ClinVar (database versions not stated): gnomAD exomes 0.00003; ExAC 0.00003; gnomAD 0.00015; TOPMed 0.00016; ESP Exome Variant Server 0.00019.
gnomAD v4.1: 45 of 1,207,857 alleles (0.0037%); highest among the groups gnomAD compares: African/African-American, 0.038%; no homozygotes.

Submissions (2):

Labcorp Genetics (formerly Invitae), Labcorp
Classification: Benign for Spastic paraplegia. Last evaluated: 2025-06-27. Review status: criteria provided, single submitter. Criteria: Invitae Variant Classification Sherloc (09022015). Collection method: clinical testing. Allele origin: germline.

Ambry Genetics
Classification: Uncertain significance for Inborn genetic diseases. Last evaluated: 2018-08-31. Review status: criteria provided, single submitter. Criteria: Ambry Variant Classification Scheme 2023. Collection method: clinical testing. Allele origin: germline.
Comment: The p.R351H variant (also known as c.1052G>A), located in coding exon 9 of the L1CAM gene, results from a G to A substitution at nucleotide position 1052. The arginine at codon 351 is replaced by histidine, an amino acid with highly similar properties. This amino acid position is well conserved in available vertebrate species. In addition, this alteration is predicted to be tolerated by in silico analysis. Since supporting evidence is limited at this time, the clinical significance of this alteration remains unclear.